The following is an entry in ClinVar:

NM_006922.4(SCN3A):c.55A>G (p.Arg19Gly)

Gene: SCN3A (sodium voltage-gated channel alpha subunit 3; minus strand). Cytogenetic location: 2q24.3.
Variant type: single nucleotide variant.
Coding change: c.55A>G on transcript NM_006922.4 (MANE Select); coding-DNA position 55, A replaced by G.
Protein change: p.Arg19Gly; replaces arginine 19 with glycine.
Molecular consequence: missense variant.
Genome position (GRCh38, 1-based): chr2:165,176,340, T>C on the plus strand (A>G on the coding strand, the complement: SCN3A is on the minus strand). VCF-style: chr2-165176340-T-C. GRCh37 (hg19) VCF-style: chr2-166032850-T-C.
Other names: c.55A>G, p.Arg19Gly (NM_001081676.2, NM_001081677.2); c.55A>G (NM_006922.3); short protein forms R19G.
Identifiers: ClinVar variation 1403819 (VCV001403819.10), dbSNP rs765781930, ClinGen allele CA1939508.
Genomic context (GRCh38, chr2:165,176,340, plus strand): 5'-TTTTGGGCTTCTTGGCTTTCTCTTCTGCAGCACGTTTTTCGATAGCAGCAAGAGATTCTC[T>C]AGTAAAAAGGCGGAAGCTTTCAGGTCCTGGGGGTACCAACAGTGCCTGTGCCATCTTTTC-3'
Protein context (NP_008853.3, residues 9-29): PGPESFRLFT[Arg19Gly]ESLAAIEKRA

ClinVar aggregate classification (germline): Uncertain significance. Review status: criteria provided, multiple submitters, no conflicts (2 of 4 stars). 2 submissions from 2 submitters: Uncertain significance (2). Last evaluated 2025-12-02.

Conditions:
Inborn genetic diseases. Identifiers: MedGen C0950123, MeSH D030342.

Allele frequency attached by ClinVar (database versions not stated): gnomAD exomes below 0.00001 and 0.00001; ExAC 0.00001; gnomAD 0.00001.
gnomAD v4.1: 8 of 1,613,998 alleles (0.0005%); highest among the groups gnomAD compares: Non-Finnish European, 0.00068%; no homozygotes.

Submissions (2):

Ambry Genetics
Classification: Uncertain significance for Inborn genetic diseases. Last evaluated: 2025-12-02. Review status: criteria provided, single submitter. Criteria: Ambry Variant Classification Scheme 2023. Collection method: clinical testing. Allele origin: germline.

Labcorp Genetics (formerly Invitae), Labcorp
Classification: Uncertain significance. Last evaluated: 2022-11-01. Review status: criteria provided, single submitter. Criteria: Invitae Variant Classification Sherloc (09022015). Collection method: clinical testing. Allele origin: germline.
Comment: This sequence change replaces arginine, which is basic and polar, with glycine, which is neutral and non-polar, at codon 19 of the SCN3A protein (p.Arg19Gly). This variant is present in population databases (rs765781930, gnomAD 0.002%). This variant has not been reported in the literature in individuals affected with SCN3A-related conditions. ClinVar contains an entry for this variant (Variation ID: 1403819). Advanced modeling of protein sequence and biophysical properties (such as structural, functional, and spatial information, amino acid conservation, physicochemical variation, residue mobility, and thermodynamic stability) performed at Invitae indicates that this missense variant is not expected to disrupt SCN3A protein function. In summary, the available evidence is currently insufficient to determine the role of this variant in disease. Therefore, it has been classified as a Variant of Uncertain Significance.